The following is an entry in ClinVar:

ClinVar aggregate classification (germline): Likely benign. Review status: criteria provided, multiple submitters, no conflicts (2 of 4 stars). 2 submissions from 2 submitters: Likely benign (2). Last evaluated 2026-08-05.

Conditions:
ALDOA-related disorder. Also called: ALDOA-related condition.
HNSHA due to aldolase A deficiency (GSD12). Also called: Glycogen storage disease due to aldolase A deficiency; GLYCOGEN STORAGE DISEASE XII; GSD XII; RED CELL ALDOLASE DEFICIENCY. Identifiers: Orphanet 57, MedGen C0272066, MONDO:0012747, OMIM 611881.

Allele frequency attached by ClinVar (database versions not stated): ExAC 0.00002; gnomAD exomes 0.00002; TOPMed 0.00002; gnomAD 0.00003.
gnomAD v4.1: 63 of 1,613,452 alleles (0.0039%); highest among the groups gnomAD compares: Non-Finnish European, 0.005%; no homozygotes.

Submissions (2):

PreventionGenetics, part of Exact Sciences
Classification: Likely benign for ALDOA-related condition. Last evaluated: 2026-08-05. Review status: criteria provided, single submitter. Criteria: ACMG Guidelines, 2015. Collection method: clinical testing. Allele origin: germline.
Comment: This variant is classified as likely benign based on ACMG/AMP sequence variant interpretation guidelines (Richards et al. 2015 PMID: 25741868, with internal and published modifications).

Labcorp Genetics (formerly Invitae), Labcorp
Classification: Likely benign for HNSHA due to aldolase A deficiency. Last evaluated: 2025-12-17. Review status: criteria provided, single submitter. Criteria: Invitae Variant Classification Sherloc (09022015). Collection method: clinical testing. Allele origin: germline.

NM_001243177.4(ALDOA):c.945G>C (p.Val315=)

Genes: ALDOA (aldolase, fructose-bisphosphate A; plus strand), LOC112694756 (uncharaterized LOC112694756; plus strand). Cytogenetic location: 16p11.2.
Variant type: single nucleotide variant.
Coding change: c.945G>C on transcript NM_001243177.4 (MANE Select); coding-DNA position 945, G replaced by C.
Protein change: p.Val315=; no amino-acid change (valine 315 retained).
Molecular consequence: synonymous variant. On other transcripts: 3 prime UTR variant (3).
Genome position (GRCh38, 1-based): chr16:30,069,657, G>C. VCF-style: chr16-30069657-G-C. GRCh37 (hg19) VCF-style: chr16-30080978-G-C.
Other names: NM_000034.3:c.783G>C; c.*1292G>C (NM_001365304.2, NM_001365305.2, NM_001365307.2); c.783G>C, p.Val261= (NM_001127617.2, NM_184041.5, NM_184043.2).
Identifiers: ClinVar variation 1562762 (VCV001562762.9), dbSNP rs780658545, ClinGen allele CA8001128.